The following is an entry in ClinVar:

ClinVar aggregate classification (germline): Benign. Review status: criteria provided, multiple submitters, no conflicts (2 of 4 stars). 7 submissions from 7 submitters: Benign (5). 2 of the submissions do not count toward it. Last evaluated 2026-01-28.

Conditions:
SYNE2-related disorder. Also called: SYNE2-related condition.
Emery-Dreifuss muscular dystrophy 5, autosomal dominant (EDMD5). Also called: EMERY-DREIFUSS MUSCULAR DYSTROPHY 5. Identifiers: Orphanet 261, MedGen C2751805, MONDO:0013072, OMIM 612999.

Allele frequency attached by ClinVar (database versions not stated): 1000 Genomes Project 30x 0.00703; 1000 Genomes Project 0.00759; TOPMed 0.01166; gnomAD 0.01196 and 0.01215; ESP Exome Variant Server 0.01230; ExAC 0.01342; gnomAD exomes 0.01376 and 0.01402.
gnomAD v4.1: 22,443 of 1,613,822 alleles (1.4%); highest among the groups gnomAD compares: Middle Eastern, 3.5%; 196 homozygotes.

Submissions (7):

Labcorp Genetics (formerly Invitae), Labcorp
Classification: Benign for Emery-Dreifuss muscular dystrophy 5, autosomal dominant. Last evaluated: 2026-01-28. Review status: criteria provided, single submitter. Criteria: Invitae Variant Classification Sherloc (09022015). Collection method: clinical testing. Allele origin: germline.

PreventionGenetics, part of Exact Sciences
Classification: Benign for SYNE2-related condition. Last evaluated: 2025-12-05. Review status: criteria provided, single submitter. Criteria: ACMG Guidelines, 2015. Collection method: clinical testing. Allele origin: germline.
Comment: This variant is classified as benign based on ACMG/AMP sequence variant interpretation guidelines (Richards et al. 2015 PMID: 25741868, with internal and published modifications).

Illumina Laboratory Services, Illumina
Classification: Benign for Emery-Dreifuss muscular dystrophy 5, autosomal dominant. Last evaluated: 2018-01-12. Review status: criteria provided, single submitter. Criteria: ICSL Variant Classification Criteria 13 December 2019. Collection method: clinical testing. Allele origin: germline.
Comment: This variant was observed in the ICSL laboratory as part of a predisposition screen in an ostensibly healthy population. It had not been previously curated by ICSL or reported in the Human Gene Mutation Database (HGMD: prior to June 1st, 2018), and was therefore a candidate for classification through an automated scoring system. Utilizing variant allele frequency, disease prevalence and penetrance estimates, and inheritance mode, an automated score was calculated to assess if this variant is too frequent to cause the disease. Based on the score and internal cut-off values, a variant classified as benign is not then subjected to further curation. The score for this variant resulted in a classification of benign for this disease.

Genome Diagnostics Laboratory, University Medical Center Utrecht
Classification: Benign for Emery-Dreifuss muscular dystrophy 5, autosomal dominant. Last evaluated: 2017-07-28. Review status: criteria provided, single submitter. Criteria: ACGS Guidelines, 2013. Collection method: clinical testing. Allele origin: germline. Affected: yes. Study: VKGL Data-share Consensus.

Breakthrough Genomics
Classification: Benign. Review status: criteria provided, single submitter. Criteria: ACMG Guidelines, 2015. Collection method: not provided. Allele origin: germline. Inheritance: Autosomal dominant inheritance. Affected: yes.

Clinical Genetics, Academic Medical Center
Classification: Benign. Review status: no assertion criteria provided. Collection method: clinical testing. Allele origin: germline. Affected: yes. Study: VKGL Data-share Consensus. Not counted in ClinVar's aggregate classification.

Genetic Services Laboratory, University of Chicago
Classification: Likely benign for AllHighlyPenetrant. Review status: no assertion criteria provided. Collection method: clinical testing. Allele origin: germline. Inheritance: Autosomal dominant inheritance. Not counted in ClinVar's aggregate classification.
Comment: Likely benign based on allele frequency in 1000 Genomes Project or ESP global frequency and its presence in a patient with a rare or unrelated disease phenotype. NOT Sanger confirmed.

NM_182914.3(SYNE2):c.15794T>C (p.Val5265Ala)

Gene: SYNE2 (spectrin repeat containing nuclear envelope protein 2; plus strand). Cytogenetic location: 14q23.2.
Variant type: single nucleotide variant.
Coding change: c.15794T>C on transcript NM_182914.3 (MANE Select); coding-DNA position 15794, T replaced by C.
Protein change: p.Val5265Ala; replaces valine 5265 with alanine.
Molecular consequence: missense variant.
Genome position (GRCh38, 1-based): chr14:64,158,626, T>C. VCF-style: chr14-64158626-T-C. GRCh37 (hg19) VCF-style: chr14-64625344-T-C.
Other names: c.15794T>C, p.Val5265Ala (NM_015180.6); short protein forms V5265A.
Identifiers: ClinVar variation 130481 (VCV000130481.23), dbSNP rs142660236, ClinGen allele CA155549.